The following is an entry in ClinVar:

NM_001365951.3(KIF1B):c.3163G>T (p.Gly1055Cys)

Gene: KIF1B (kinesin family member 1B; plus strand). Cytogenetic location: 1p36.22.
Variant type: single nucleotide variant.
Coding change: c.3163G>T on transcript NM_001365951.3 (MANE Select); coding-DNA position 3163, G replaced by T.
Protein change: p.Gly1055Cys; replaces glycine 1055 with cysteine.
Molecular consequence: missense variant.
Genome position (GRCh38, 1-based): chr1:10,337,107, G>T. VCF-style: chr1-10337107-G-T. GRCh37 (hg19) VCF-style: chr1-10397165-G-T.
Other names: c.3163G>T, p.Gly1055Cys (NM_001365952.1); c.3025G>T, p.Gly1009Cys (NM_015074.3); short protein forms G1009C, G1055C.
Identifiers: ClinVar variation 1320293 (VCV001320293.5), dbSNP rs2102315795, ClinGen allele CA338339658.
Genomic context (GRCh38, chr1:10,337,107, plus strand): 5'-ATGTATCTGCCCCTGCCTTTTTTTCAGAGTGACTTTTCGTCTGTTGCAATGACTCGTTCT[G>T]GTCTGTCCTTGGAGGAGTTGAGGATTGTGGAAGGACAGGGTCAGAGTTCTGAGGTCATCA-3'
Protein context (NP_001352880.1, residues 1045-1065): DFSSVAMTRS[Gly1055Cys]LSLEELRIVE

ClinVar aggregate classification (germline): Uncertain significance. Review status: criteria provided, multiple submitters, no conflicts (2 of 4 stars). 2 submissions from 2 submitters: Uncertain significance (2). Last evaluated 2023-06-07.

Conditions:
Pheochromocytoma. Also called: MAX-Related Hereditary Paraganglioma-Pheochromocytoma Syndrome. Identifiers: Orphanet 29072, MedGen C0031511, MONDO:0008233, OMIM 171300, HP:0002666.

Allele frequency attached by ClinVar (database versions not stated): gnomAD exomes below 0.00001.
gnomAD v4.1: 2 of 1,614,060 alleles (0.00012%); highest among the groups gnomAD compares: Non-Finnish European, 0.00017%; no homozygotes.

Submissions (2):

Ambry Genetics
Classification: Uncertain significance. Last evaluated: 2023-06-07. Review status: criteria provided, single submitter. Criteria: Ambry Variant Classification Scheme 2023. Collection method: clinical testing. Allele origin: germline.
Comment: The p.G1009C variant (also known as c.3025G>T), located in coding exon 27 of the KIF1B gene, results from a G to T substitution at nucleotide position 3025. The glycine at codon 1009 is replaced by cysteine, an amino acid with highly dissimilar properties. This amino acid position is conserved. In addition, this alteration is predicted to be deleterious by in silico analysis. Since supporting evidence is limited at this time, the clinical significance of this alteration remains unclear.

St. Jude Molecular Pathology, St. Jude Children's Research Hospital
Classification: Uncertain significance for Pheochromocytoma. Last evaluated: 2021-08-19. Review status: criteria provided, single submitter. Criteria: St. Jude Assertion Criteria 2020. Collection method: clinical testing. Allele origin: germline.
Comment: The KIF1B c.3025G>T (p.Gly1009Cys) missense change is absent in gnomAD v2.1.1 (PM2_supporting). This variant occurs in a gene where missense variants are more likely to be damaging based on methods described by Lek et al. (PP2; PMID: 27535533). In silico tools are not in agreement about the effect of this variant on protein function, but to our knowledge these predictions have not been confirmed by functional assays. To our knowledge, this variant has not been reported in individuals with pheochromocytoma or neuroblastoma. In summary, this variant meets criteria to be classified as of uncertain significance based on the ACMG/AMP criteria: PM2_supporting, PP2.